The following is an entry in ClinVar:

ClinVar aggregate classification (germline): Likely pathogenic. Review status: criteria provided, multiple submitters, no conflicts (2 of 4 stars). 2 submissions from 2 submitters: Likely pathogenic (2). Last evaluated 2025-01-28.

Conditions:
Intellectual developmental disorder, autosomal recessive 65. Also called: MENTAL RETARDATION, AUTOSOMAL RECESSIVE 65; Intellectual disability, autosomal recessive 65. Identifiers: MedGen C4748219, MONDO:0020850, OMIM 618109.

Submissions (2):

GeneDx
Classification: Likely pathogenic. Last evaluated: 2025-01-28. Review status: criteria provided, single submitter. Criteria: GeneDx Variant Classification Process June 2021. Collection method: clinical testing. Allele origin: germline. Affected: yes.
Comment: Frameshift variant predicted to result in protein truncation or nonsense mediated decay in a gene for which loss of function is a known mechanism of disease; Not observed at significant frequency in large population cohorts (gnomAD); Identified as a de novo variant in an individual from an autism cohort, however detailed clinical information was not provided and no other variants in KDM5B gene were identified (PMID: 35982159); This variant is associated with the following publications: (PMID: 35982159)

Laboratorio de Genetica e Diagnostico Molecular, Hospital Israelita Albert Einstein
Classification: Likely pathogenic for Intellectual developmental disorder, autosomal recessive 65. Last evaluated: 2024-11-28. Review status: criteria provided, single submitter. Criteria: ACMG Guidelines, 2015. Collection method: clinical testing. Allele origin: germline. Affected: yes.
Comment: ACMG classification criteria: PVS1 very strong, PM2 supporting

NM_006618.5(KDM5B):c.365_366del (p.His122fs)

Gene: KDM5B (lysine demethylase 5B; minus strand). Cytogenetic location: 1q32.1.
Variant type: Deletion.
Coding change: c.365_366del on transcript NM_006618.5 (MANE Select); coding-DNA positions 365 to 366, 2 bases deleted (AT; older notation c.365_366delAT).
Protein change: p.His122fs; shifts the reading frame from histidine 122.
Molecular consequence: frameshift variant.
Genome position (GRCh38, 1-based): chr1:202,774,652-202,774,653, AT deleted on the plus strand (AT on the coding strand, the reverse complement: KDM5B is on the minus strand). VCF-style (leftmost placement, unchanged base first): chr1-202774651-CAT-C. GRCh37 (hg19) VCF-style: chr1-202743779-CAT-C.
Other names: c.365_366del (NM_006618.3); c.365_366del, p.His122fs (NM_001314042.2, NM_001347591.2); c.350_351del, p.His117fs (NM_001399817.1); short protein forms H117fs, H122fs.
Identifiers: ClinVar variation 4056541 (VCV004056541.2).
Genomic context (GRCh38, chr1:202,774,651, plus strand): 5'-AAGATGGTCATTAGCTCTTTACCTTATTAAGCTGAAATAAGTCCAAGATCTTCCTCTCCA[CAT>C]GTGGAATTTTCAGAGTACTTCCCTGTAACTCCCAGTACTTTGCAATCTGGTCCAAGAAAT-3'